The following is an entry in ClinVar:

ClinVar aggregate classification (germline): Conflicting classifications of pathogenicity. Review status: criteria provided, conflicting classifications (1 of 4 stars). 2 submissions from 2 submitters: Uncertain significance (1); Likely benign (1). Last evaluated 2025-12-03.

Conditions:
Inborn genetic diseases. Identifiers: MedGen C0950123, MeSH D030342.
Ichthyosis bullosa of Siemens (IBS). Also called: Superficial epidermolytic ichthyosis. Identifiers: Orphanet 455, MedGen C0432306, MONDO:0007813, OMIM 146800.

Allele frequency attached by ClinVar (database versions not stated): gnomAD exomes 0.00007 and 0.00008; TOPMed 0.00007; ExAC 0.00008; gnomAD 0.00009 and 0.00010.

Submissions (2):

Ambry Genetics
Classification: Uncertain significance for Inborn genetic diseases. Last evaluated: 2025-12-03. Review status: criteria provided, single submitter. Criteria: Ambry Variant Classification Scheme 2023. Collection method: clinical testing. Allele origin: germline.

Illumina Laboratory Services, Illumina
Classification: Likely benign for Ichthyosis bullosa of Siemens. Last evaluated: 2018-01-13. Review status: criteria provided, single submitter. Criteria: ICSL Variant Classification Criteria 13 December 2019. Collection method: clinical testing. Allele origin: germline.
Comment: This variant was observed in the ICSL laboratory as part of a predisposition screen in an ostensibly healthy population. It had not been previously curated by ICSL or reported in the Human Gene Mutation Database (HGMD: prior to June 1st, 2018), and was therefore a candidate for classification through an automated scoring system. Utilizing variant allele frequency, disease prevalence and penetrance estimates, and inheritance mode, an automated score was calculated to assess if this variant is too frequent to cause the disease. Based on the score and internal cut-off values, a variant classified as likely benign is not then subjected to further curation. The score for this variant resulted in a classification of likely benign for this disease.

NM_000423.3(KRT2):c.1720G>A (p.Gly574Arg)

Gene: KRT2 (keratin 2; minus strand). Cytogenetic location: 12q13.13.
Variant type: single nucleotide variant.
Coding change: c.1720G>A on transcript NM_000423.3 (MANE Select); coding-DNA position 1720, G replaced by A.
Protein change: p.Gly574Arg; replaces glycine 574 with arginine.
Molecular consequence: missense variant.
Genome position (GRCh38, 1-based): chr12:52,645,219, C>T on the plus strand (G>A on the coding strand, the complement: KRT2 is on the minus strand). VCF-style: chr12-52645219-C-T. GRCh37 (hg19) VCF-style: chr12-53039003-C-T.
Other names: short protein forms G574R.
Identifiers: ClinVar variation 309596 (VCV000309596.6), dbSNP rs139954107, ClinGen allele CA6585382.
Genomic context (GRCh38, chr12:52,645,219, plus strand): 5'-CACCTCCAGAGCCATATCCTCCTCCAGAGATGGACCCTCCCTTAGAGCCACCACCAGATC[C>T]GTATCTTCCTCCAGAACCACCGCCAGAGCCATATCCTCCTCCAGAGATAGAACCTCCTCC-3'
Protein context (NP_000414.2, residues 564-584): GSGGGSGGRY[Gly574Arg]SGGGSKGGSI